The following is an entry in ClinVar:

ClinVar aggregate classification (germline): Likely pathogenic (1 of 4 stars; one submission).

Conditions:
Basal cell nevus syndrome 1 (BCNS1). Also called: GORLIN-GOLTZ SYNDROME; MULTIPLE BASAL CELL NEVI, ODONTOGENIC KERATOCYSTS, AND SKELETAL ANOMALIES. Identifiers: MedGen CN376810, MONDO:0958174, OMIM 109400.

Submission:

3billion
Classification: Likely pathogenic for Basal cell nevus syndrome 1. Last evaluated: 2025-09-09. Review status: criteria provided, single submitter. Criteria: ACMG Guidelines, 2015. Collection method: clinical testing. Allele origin: germline. Affected: yes.
Comment: The variant is not observed in the gnomAD v4.1.0 dataset. Predicted Consequence/Location: Frameshift: predicted to result in a loss or disruption of normal protein function through nonsense-mediated decay (NMD) or protein truncation. Multiple pathogenic variants are reported downstream of the variant. Therefore, this variant is classified as Likely pathogenic according to the recommendation of ACMG/AMP guideline.

NM_000264.5(PTCH1):c.1018del (p.Glu340fs)

Gene: PTCH1 (patched 1; minus strand). Cytogenetic location: 9q22.32.
Variant type: Deletion.
Coding change: c.1018del on transcript NM_000264.5 (MANE Select); coding-DNA position 1018, one base deleted (G; older notation c.1018delG).
Protein change: p.Glu340fs; shifts the reading frame from glutamic acid 340.
Molecular consequence: frameshift variant. On other transcripts: non-coding transcript variant (1).
Genome position (GRCh38, 1-based): chr9:95,480,018, C deleted on the plus strand (G on the coding strand, the reverse complement: PTCH1 is on the minus strand); the first of 2 consecutive C bases (chr9:95,480,018-95,480,019); deleting either gives the same sequence. VCF-style (leftmost placement, unchanged base first): chr9-95480017-TC-T. GRCh37 (hg19) VCF-style: chr9-98242299-TC-T.
Other names: c.820del, p.Glu274fs (NM_001083602.3); c.1015del, p.Glu339fs (NM_001083603.3); c.565del, p.Glu189fs (NM_001083604.3, NM_001083605.3, NM_001083606.3 and 1 more transcripts); c.1018del, p.Glu340fs (NM_001354918.2); short protein forms E189fs, E274fs, E339fs, E340fs.
Identifiers: ClinVar variation 4856375 (VCV004856375.1).